The following is an entry in ClinVar:

NM_000222.3(KIT):c.427G>T (p.Val143Leu)

Gene: KIT (KIT proto-oncogene, receptor tyrosine kinase; plus strand). Cytogenetic location: 4q12.
Variant type: single nucleotide variant.
Coding change: c.427G>T on transcript NM_000222.3 (MANE Select); coding-DNA position 427, G replaced by T.
Protein change: p.Val143Leu; replaces valine 143 with leucine.
Molecular consequence: missense variant.
Genome position (GRCh38, 1-based): chr4:54,698,373, G>T. VCF-style: chr4-54698373-G-T. GRCh37 (hg19) VCF-style: chr4-55564539-G-T.
Other names: c.427G>T, p.Val143Leu (NM_001093772.2, NM_001385284.1, NM_001385285.1 and 4 more transcripts); short protein forms V143L.
Identifiers: ClinVar variation 2568312 (VCV002568312.2), dbSNP rs2109672658, ClinGen allele CA356897564.
Genomic context (GRCh38, chr4:54,698,373, plus strand): 5'-TCCTTGTATGGGAAAGAAGACAACGACACGCTGGTCCGCTGTCCTCTCACAGACCCAGAA[G>T]TGACCAATTATTCCCTCAAGGGGTGCCAGGGGAAGCCTCTTCCCAAGGACTTGAGGTTTA-3'
Protein context (NP_000213.1, residues 133-153): LVRCPLTDPE[Val143Leu]TNYSLKGCQG

ClinVar aggregate classification (germline): Uncertain significance (1 of 4 stars; one submission).

Conditions:
Hereditary cancer-predisposing syndrome. Also called: Hereditary neoplastic syndrome; Hereditary Cancer Syndrome; Neoplastic Syndromes, Hereditary; Tumor predisposition. Identifiers: Orphanet 140162, MedGen C0027672, MeSH D009386, MONDO:0015356.

Submission:

Ambry Genetics
Classification: Uncertain significance for Hereditary cancer-predisposing syndrome. Last evaluated: 2023-05-15. Review status: criteria provided, single submitter. Criteria: Ambry Variant Classification Scheme 2023. Collection method: clinical testing. Allele origin: germline.
Comment: The p.V143L variant (also known as c.427G>T), located in coding exon 3 of the KIT gene, results from a G to T substitution at nucleotide position 427. The valine at codon 143 is replaced by leucine, an amino acid with highly similar properties. This amino acid position is conserved. In addition, this alteration is predicted to be tolerated by in silico analysis. Since supporting evidence is limited at this time, the clinical significance of this alteration remains unclear.